The following is an entry in ClinVar:

ClinVar aggregate classification (germline): Uncertain significance (1 of 4 stars; one submission).

Conditions:
PLXNA4-related disorder. Also called: PLXNA4-related condition.

Submission:

PreventionGenetics, part of Exact Sciences
Classification: Uncertain significance for PLXNA4-related condition. Last evaluated: 2026-07-23. Review status: criteria provided, single submitter. Criteria: ACMG Guidelines, 2015. Collection method: clinical testing. Allele origin: germline.
Comment: The PLXNA4 c.5424G>T variant is predicted to result in the amino acid substitution p.Lys1808Asn. To our knowledge, this variant has not been reported in the literature or in a large population database (gnomAD), indicating this variant is rare. At this time, the clinical significance of this variant is uncertain due to the absence of conclusive functional and genetic evidence.

NM_020911.2(PLXNA4):c.5424G>T (p.Lys1808Asn)

Gene: PLXNA4 (plexin A4; minus strand). Cytogenetic location: 7q32.3.
Variant type: single nucleotide variant.
Coding change: c.5424G>T on transcript NM_020911.2 (MANE Select); coding-DNA position 5424, G replaced by T.
Protein change: p.Lys1808Asn; replaces lysine 1808 with asparagine.
Molecular consequence: missense variant.
Genome position (GRCh38, 1-based): chr7:132,140,613, C>A on the plus strand (G>T on the coding strand, the complement: PLXNA4 is on the minus strand). VCF-style: chr7-132140613-C-A. GRCh37 (hg19) VCF-style: chr7-131825372-C-A.
Other names: c.5424G>T, p.Lys1808Asn (NM_001393897.1); short protein forms K1808N.
Identifiers: ClinVar variation 4994589 (VCV004994589.1).